The following is an entry in ClinVar:

ClinVar aggregate classification (germline): Benign (0 of 4 stars; one submission).

Conditions:
H4C3-related disorder. Also called: H4C3-related condition.

Allele frequency attached by ClinVar (database versions not stated): gnomAD 0.00031; gnomAD exomes 0.00033; TOPMed 0.00035; ExAC 0.00082; 1000 Genomes Project 30x 0.00156; 1000 Genomes Project 0.00160.

Submission:

PreventionGenetics, part of Exact Sciences
Classification: Benign for H4C3-related condition. Last evaluated: 2019-03-21. Review status: no assertion criteria provided. Collection method: clinical testing. Allele origin: germline.
Comment: This variant is classified as benign based on ACMG/AMP sequence variant interpretation guidelines (Richards et al. 2015 PMID: 25741868, with internal and published modifications).

NM_003542.4(H4C3):c.180G>A (p.Lys60=)

Gene: H4C3 (H4 clustered histone 3; plus strand). Cytogenetic location: 6p22.2.
Variant type: single nucleotide variant.
Coding change: c.180G>A on transcript NM_003542.4 (MANE Select); coding-DNA position 180, G replaced by A.
Protein change: p.Lys60=; no amino-acid change (lysine 60 retained).
Molecular consequence: synonymous variant.
Genome position (GRCh38, 1-based): chr6:26,104,127, G>A. VCF-style: chr6-26104127-G-A. GRCh37 (hg19) VCF-style: chr6-26104355-G-A.
Identifiers: ClinVar variation 3043652 (VCV003043652.2), dbSNP rs77229316, ClinGen allele CA3666958.